The following is an entry in ClinVar:

NM_001370466.1(NOD2):c.2026C>T (p.Arg676Cys)

Gene: NOD2 (nucleotide binding oligomerization domain containing 2; plus strand). Cytogenetic location: 16q12.1.
Variant type: single nucleotide variant.
Coding change: c.2026C>T on transcript NM_001370466.1 (MANE Select); coding-DNA position 2026, C replaced by T.
Protein change: p.Arg676Cys; replaces arginine 676 with cysteine.
Molecular consequence: missense variant. On other transcripts: non-coding transcript variant (1).
Genome position (GRCh38, 1-based): chr16:50,712,018, C>T. VCF-style: chr16-50712018-C-T. GRCh37 (hg19) VCF-style: chr16-50745929-C-T.
Other names: c.2107C>T (LRG_177t1); c.2026C>T, p.Arg676Cys (NM_001293557.2); c.2107C>T, p.Arg703Cys (NM_022162.3); short protein forms R703C, R676C.
Identifiers: ClinVar variation 197333 (VCV000197333.77), dbSNP rs5743277, ClinGen allele CA202825.

ClinVar aggregate classification (germline): Conflicting classifications of pathogenicity. Review status: criteria provided, conflicting classifications (1 of 4 stars). 10 submissions from 9 submitters: Uncertain significance (2); Likely benign (8). Last evaluated 2026-08-01.

Conditions:
Yao syndrome. Also called: Susceptibility to Yao syndrome. Identifiers: MedGen C4310620, MONDO:0015019, OMIM 617321.
Blau syndrome (BLAUS). Also called: GRANULOMATOSIS, FAMILIAL JUVENILE SYSTEMIC; GRANULOMATOSIS, FAMILIAL, BLAU TYPE; GRANULOMATOUS INFLAMMATORY ARTHRITIS, DERMATITIS, AND UVEITIS, FAMILIAL; JABS SYNDROME; ARTHROCUTANEOUVEAL GRANULOMATOSIS. Identifiers: Orphanet 90340, MedGen C5201146, MONDO:0008523, OMIM 186580.
Autoinflammatory syndrome. Identifiers: Orphanet 93665, MedGen C3890737, MONDO:0019751.
Regional enteritis. Also called: Enteritis, Granulomatous. Identifiers: MedGen C0678202, MeSH D003424.
Inflammatory bowel disease 1 (IBD1). Also called: INFLAMMATORY BOWEL DISEASE (CROHN DISEASE) 1; Inflammatory bowel disease 1, Crohn disease. Identifiers: MedGen CN260071, MONDO:0009960, OMIM 266600.

Allele frequency attached by ClinVar (database versions not stated): 1000 Genomes Project 30x 0.00094; 1000 Genomes Project 0.00100; gnomAD 0.00296 and 0.00340; TOPMed 0.00426; ESP Exome Variant Server 0.00500.
gnomAD v4.1: 6,370 of 1,613,156 alleles (0.39%); highest among the groups gnomAD compares: Non-Finnish European, 0.48%; 20 homozygotes.

Submissions (10):

CeGaT Center for Human Genetics Tuebingen
Classification: Likely benign. Last evaluated: 2026-08-01. Review status: criteria provided, single submitter. Criteria: CeGaT Center For Human Genetics Tuebingen Variant Classification Criteria Version 2. Collection method: clinical testing. Allele origin: germline. Affected: yes. Observed: 20 variant alleles.
Comment: NOD2: BP4, BS2

Labcorp Genetics (formerly Invitae), Labcorp
Classification: Likely benign for Regional enteritis; Blau syndrome. Last evaluated: 2026-02-01. Review status: criteria provided, single submitter. Criteria: Invitae Variant Classification Sherloc (09022015). Collection method: clinical testing. Allele origin: germline.

Women's Health and Genetics/Laboratory Corporation of America, LabCorp
Classification: Likely benign. Last evaluated: 2025-02-03. Review status: criteria provided, single submitter. Criteria: LabCorp Variant Classification Summary - May 2015. Collection method: clinical testing. Allele origin: germline.

GeneDx
Classification: Uncertain significance. Last evaluated: 2025-01-29. Review status: criteria provided, single submitter. Criteria: GeneDx Variant Classification Process June 2021. Collection method: clinical testing. Allele origin: germline.
Comment: Observed in individuals with inflammatory bowel disease and other auto-inflammatory disorders (PMID: 11875755, 22942351, 26164256, 28422189, 28814775, 32707200, 33692434, 39430755); Case control studies suggest this variant may be associated with Crohn's disease (PMID: 21983784); In silico analysis supports that this missense variant has a deleterious effect on protein structure/function; Also reported as c.2026C>T p.R676C using alternate nomenclature; This variant is associated with the following publications: (PMID: 32707200, 22942351, 26164256, 28814775, 28422189, 26070941, 33394828, 33927005, 35211104, 34975878, 37968638, 36006803, 35978869, 36553655, 38248332, Abrego-Fuentes2022[CaseReport], 38734909, 21983784, 11875755, 38582044, 15024686, 24803813, 12626759, 15320482, 33692434, 39372397, 39430755)

Blueprint Genetics
Classification: Likely benign. Last evaluated: 2024-11-26. Review status: criteria provided, single submitter. Criteria: ACMG Guidelines, 2015. Collection method: clinical testing. Allele origin: germline.

ARUP Laboratories, Molecular Genetics and Genomics, ARUP Laboratories
Classification: Likely benign. Last evaluated: 2023-10-27. Review status: criteria provided, single submitter. Criteria: ARUP Molecular Germline Variant Investigation Process 2024. Collection method: clinical testing. Allele origin: germline.

Genome Diagnostics Laboratory, The Hospital for Sick Children
Classification: Uncertain significance for Autoinflammatory syndrome. Last evaluated: 2022-05-03. Review status: criteria provided, single submitter. Criteria: ACMG Guidelines, 2015. Collection method: clinical testing. Allele origin: germline. Affected: yes.

Illumina Laboratory Services, Illumina
Classification: Likely benign for Inflammatory bowel disease 1. Last evaluated: 2017-04-27. Review status: criteria provided, single submitter. Criteria: ICSL Variant Classification Criteria 13 December 2019. Collection method: clinical testing. Allele origin: germline.
Comment: This variant was observed as part of a predisposition screen in an ostensibly healthy population. A literature search was performed for the gene, cDNA change, and amino acid change (where applicable). Publications were found based on this search. The evidence from the literature, in combination with allele frequency data from public databases where available, was sufficient to determine this variant is unlikely to cause disease. Therefore, this variant is classified as likely benign.

Illumina Laboratory Services, Illumina
Classification: Likely benign for Blau syndrome. Last evaluated: 2017-04-27. Review status: criteria provided, single submitter. Criteria: ICSL Variant Classification Criteria 13 December 2019. Collection method: clinical testing. Allele origin: germline.
Comment: the same text as in the submission from Illumina Laboratory Services, Illumina above.

Eurofins Ntd Llc (ga)
Classification: Likely benign. Last evaluated: 2014-10-24. Review status: criteria provided, single submitter. Criteria: EGL Classification Definitions 2015. Collection method: clinical testing. Allele origin: germline. Observed: 1 variant allele, 1 heterozygote.

Literature cited by the submitters: PubMed 24803813 (cited by Illumina Laboratory Services, Illumina); PubMed 11875755 (cited by Illumina Laboratory Services, Illumina and Eurofins Ntd Llc (ga)); PubMed 15770725 (cited by Illumina Laboratory Services, Illumina); PubMed 15024686 (cited by Illumina Laboratory Services, Illumina); PubMed 12626759 (cited by Illumina Laboratory Services, Illumina and Eurofins Ntd Llc (ga)); PubMed 16278823 (cited by Illumina Laboratory Services, Illumina); PubMed 15320482 (cited by Illumina Laboratory Services, Illumina); PubMed 21983784 (cited by Illumina Laboratory Services, Illumina and Eurofins Ntd Llc (ga)); PubMed 26164256 (cited by Illumina Laboratory Services, Illumina); PubMed 22942351 (cited by Illumina Laboratory Services, Illumina and Eurofins Ntd Llc (ga)).